The following is an entry in ClinVar:

ClinVar aggregate classification (germline): Uncertain significance. Review status: criteria provided, multiple submitters, no conflicts (2 of 4 stars). 2 submissions from 2 submitters: Uncertain significance (2). Last evaluated 2025-04-21.

Conditions:
Hereditary pulmonary alveolar proteinosis. Also called: Pulmonary surfactant metabolism dysfunction. Identifiers: Orphanet 264675, MedGen C3711368, MONDO:0012580.

Allele frequency attached by ClinVar (database versions not stated): ExAC 0.00002; gnomAD 0.00003; TOPMed 0.00004; ESP Exome Variant Server 0.00008.
gnomAD v4.1: 64 of 1,613,414 alleles (0.004%); highest among the groups gnomAD compares: Middle Eastern, 0.016%; no homozygotes.

Submissions (2):

GeneDx
Classification: Uncertain significance. Last evaluated: 2025-04-21. Review status: criteria provided, single submitter. Criteria: GeneDx Variant Classification Process June 2021. Collection method: clinical testing. Allele origin: germline. Affected: yes.
Comment: In silico analysis supports that this missense variant has a deleterious effect on protein structure/function; Has not been previously published as pathogenic or benign to our knowledge

Ambry Genetics
Classification: Uncertain significance for Hereditary pulmonary alveolar proteinosis. Last evaluated: 2019-06-04. Review status: criteria provided, single submitter. Criteria: Ambry Variant Classification Scheme 2023. Collection method: clinical testing. Allele origin: germline.
Comment: The p.E522K variant (also known as c.1564G>A), located in coding exon 10 of the ABCA3 gene, results from a G to A substitution at nucleotide position 1564. The glutamic acid at codon 522 is replaced by lysine, an amino acid with similar properties. This amino acid position is highly conserved in available vertebrate species. In addition, this alteration is predicted to be deleterious by in silico analysis. Since supporting evidence is limited at this time, the clinical significance of this alteration remains unclear.

NM_001089.3(ABCA3):c.1564G>A (p.Glu522Lys)

Gene: ABCA3 (ATP binding cassette subfamily A member 3; minus strand). Cytogenetic location: 16p13.3.
Variant type: single nucleotide variant.
Coding change: c.1564G>A on transcript NM_001089.3 (MANE Select); coding-DNA position 1564, G replaced by A.
Protein change: p.Glu522Lys; replaces glutamic acid 522 with lysine.
Molecular consequence: missense variant.
Genome position (GRCh38, 1-based): chr16:2,300,052, C>T on the plus strand (G>A on the coding strand, the complement: ABCA3 is on the minus strand). VCF-style: chr16-2300052-C-T. GRCh37 (hg19) VCF-style: chr16-2350053-C-T.
Other names: short protein forms E522K.
Identifiers: ClinVar variation 1775340 (VCV001775340.3), dbSNP rs370347086, ClinGen allele CA7841200.